The following is an entry in ClinVar:

ClinVar aggregate classification (germline): Uncertain significance. Review status: criteria provided, multiple submitters, no conflicts (2 of 4 stars). 2 submissions from 2 submitters: Uncertain significance (2). Last evaluated 2022-08-16.

Conditions:
Inborn genetic diseases. Identifiers: MedGen C0950123, MeSH D030342.

Allele frequency attached by ClinVar (database versions not stated): gnomAD 0.00007; TOPMed 0.00008.

Submissions (2):

Labcorp Genetics (formerly Invitae), Labcorp
Classification: Uncertain significance. Last evaluated: 2022-08-16. Review status: criteria provided, single submitter. Criteria: Invitae Variant Classification Sherloc (09022015). Collection method: clinical testing. Allele origin: germline.
Comment: In summary, the available evidence is currently insufficient to determine the role of this variant in disease. Therefore, it has been classified as a Variant of Uncertain Significance. Algorithms developed to predict the effect of missense changes on protein structure and function (SIFT, PolyPhen-2, Align-GVGD) all suggest that this variant is likely to be tolerated. This variant has not been reported in the literature in individuals affected with ADAMTS10-related conditions. This variant is present in population databases (no rsID available, gnomAD 0.006%). This sequence change replaces aspartic acid, which is acidic and polar, with glutamic acid, which is acidic and polar, at codon 198 of the ADAMTS10 protein (p.Asp198Glu).

Ambry Genetics
Classification: Uncertain significance for Inborn genetic diseases. Last evaluated: 2021-04-28. Review status: criteria provided, single submitter. Criteria: Ambry Variant Classification Scheme 2023. Collection method: clinical testing. Allele origin: germline.

NM_030957.4(ADAMTS10):c.594T>G (p.Asp198Glu)

Gene: ADAMTS10 (ADAM metallopeptidase with thrombospondin type 1 motif 10; minus strand). Cytogenetic location: 19p13.2.
Variant type: single nucleotide variant.
Coding change: c.594T>G on transcript NM_030957.4 (MANE Select); coding-DNA position 594, T replaced by G.
Protein change: p.Asp198Glu; replaces aspartic acid 198 with glutamic acid.
Molecular consequence: missense variant.
Genome position (GRCh38, 1-based): chr19:8,601,144, A>C on the plus strand (T>G on the coding strand, the complement: ADAMTS10 is on the minus strand). VCF-style: chr19-8601144-A-C. GRCh37 (hg19) VCF-style: chr19-8666028-A-C.
Other names: c.594T>G (NM_030957.2); short protein forms D198E.
Identifiers: ClinVar variation 2200673 (VCV002200673.3), dbSNP rs1220011181, ClinGen allele CA403756882.